The following is an entry in ClinVar:

ClinVar aggregate classification (germline): Uncertain significance (1 of 4 stars; one submission).

Conditions:
Hypomyelination and Congenital Cataract (HLD5). Also called: hypomyelinating leukodystrophy 5. Identifiers: Orphanet 85163, MedGen C1864663, MONDO:0012514, OMIM 610532.

gnomAD v4.1: 1 of 1,601,234 alleles (0.000062%); highest among the groups gnomAD compares: Non-Finnish European, 0.000086%; no homozygotes.

Submission:

Labcorp Genetics (formerly Invitae), Labcorp
Classification: Uncertain significance for Hypomyelination and Congenital Cataract. Last evaluated: 2024-05-06. Review status: criteria provided, single submitter. Criteria: Invitae Variant Classification Sherloc (09022015). Collection method: clinical testing. Allele origin: germline.
Comment: This sequence change replaces glutamine, which is neutral and polar, with histidine, which is basic and polar, at codon 239 of the FAM126A protein (p.Gln239His). This variant is not present in population databases (gnomAD no frequency). This variant has not been reported in the literature in individuals affected with FAM126A-related conditions. ClinVar contains an entry for this variant (Variation ID: 2093614). Advanced modeling of protein sequence and biophysical properties (such as structural, functional, and spatial information, amino acid conservation, physicochemical variation, residue mobility, and thermodynamic stability) performed at Invitae indicates that this missense variant is not expected to disrupt FAM126A protein function with a negative predictive value of 80%. In summary, the available evidence is currently insufficient to determine the role of this variant in disease. Therefore, it has been classified as a Variant of Uncertain Significance.

NM_032581.4(HYCC1):c.717A>C (p.Gln239His)

Gene: HYCC1 (hyccin PI4KA lipid kinase complex subunit 1; minus strand). Cytogenetic location: 7p15.3.
Variant type: single nucleotide variant.
Coding change: c.717A>C on transcript NM_032581.4 (MANE Select); coding-DNA position 717, A replaced by C.
Protein change: p.Gln239His; replaces glutamine 239 with histidine.
Molecular consequence: missense variant.
Genome position (GRCh38, 1-based): chr7:22,964,441, T>G on the plus strand (A>C on the coding strand, the complement: HYCC1 is on the minus strand). VCF-style: chr7-22964441-T-G. GRCh37 (hg19) VCF-style: chr7-23004060-T-G.
Other names: c.717A>C, p.Gln239His (NM_001363466.2, NM_001363467.2); short protein forms Q239H.
Identifiers: ClinVar variation 2093614 (VCV002093614.4), dbSNP rs767677929, ClinGen allele CA366974202.